The following is an entry in ClinVar:

ClinVar aggregate classification (germline): Uncertain significance. Review status: criteria provided, single submitter (1 of 4 stars). 2 submissions from 2 submitters: Uncertain significance (1). 1 of the submissions does not count toward it. Last evaluated 2022-06-04.

Conditions:
Primary ciliary dyskinesia. Also called: Ciliary dyskinesia. Identifiers: Orphanet 244, MedGen C0008780, MONDO:0016575, HP:0012265.

Allele frequency attached by ClinVar (database versions not stated): ExAC 0.00002; gnomAD 0.00002 and 0.00003; gnomAD exomes 0.00002; TOPMed 0.00003.
gnomAD v4.1: 38 of 1,613,984 alleles (0.0024%); highest among the groups gnomAD compares: Admixed American, 0.005%; no homozygotes.

Submissions (2):

Labcorp Genetics (formerly Invitae), Labcorp
Classification: Uncertain significance for Primary ciliary dyskinesia. Last evaluated: 2022-06-04. Review status: criteria provided, single submitter. Criteria: Invitae Variant Classification Sherloc (09022015). Collection method: clinical testing. Allele origin: germline.
Comment: This sequence change replaces arginine, which is basic and polar, with cysteine, which is neutral and slightly polar, at codon 4615 of the DNAH5 protein (p.Arg4615Cys). This variant is present in population databases (rs771613197, gnomAD 0.009%). This variant has not been reported in the literature in individuals affected with DNAH5-related conditions. ClinVar contains an entry for this variant (Variation ID: 238965). Algorithms developed to predict the effect of missense changes on protein structure and function are either unavailable or do not agree on the potential impact of this missense change (SIFT: "Deleterious"; PolyPhen-2: "Possibly Damaging"; Align-GVGD: "Class C0"). In summary, the available evidence is currently insufficient to determine the role of this variant in disease. Therefore, it has been classified as a Variant of Uncertain Significance.

Natera, Inc.
Classification: Uncertain significance for Primary ciliary dyskinesia. Last evaluated: 2020-01-24. Review status: no assertion criteria provided. Collection method: clinical testing. Allele origin: germline. Not counted in ClinVar's aggregate classification.

NM_001369.3(DNAH5):c.13843C>T (p.Arg4615Cys)

Gene: DNAH5 (dynein axonemal heavy chain 5; minus strand). Cytogenetic location: 5p15.2.
Variant type: single nucleotide variant.
Coding change: c.13843C>T on transcript NM_001369.3 (MANE Select); coding-DNA position 13843, C replaced by T.
Protein change: p.Arg4615Cys; replaces arginine 4615 with cysteine.
Molecular consequence: missense variant.
Genome position (GRCh38, 1-based): chr5:13,692,016, G>A on the plus strand (C>T on the coding strand, the complement: DNAH5 is on the minus strand). VCF-style: chr5-13692016-G-A. GRCh37 (hg19) VCF-style: chr5-13692125-G-A.
Other names: short protein forms R4615C.
Identifiers: ClinVar variation 238965 (VCV000238965.6), dbSNP rs771613197, ClinGen allele CA3201230.